The following is an entry in ClinVar:

ClinVar aggregate classification (germline): Uncertain significance (1 of 4 stars; one submission).

Conditions:
Developmental and epileptic encephalopathy, 12 (DEE12). Identifiers: MedGen C3150988, MONDO:0013389, OMIM 613722.

Submission:

Labcorp Genetics (formerly Invitae), Labcorp
Classification: Uncertain significance for Developmental and epileptic encephalopathy, 12. Last evaluated: 2021-05-05. Review status: criteria provided, single submitter. Criteria: Invitae Variant Classification Sherloc (09022015). Collection method: clinical testing. Allele origin: germline.
Comment: In summary, the available evidence is currently insufficient to determine the role of this variant in disease. Therefore, it has been classified as a Variant of Uncertain Significance. Experimental studies and prediction algorithms are not available or were not evaluated, and the functional significance of this variant is currently unknown. This variant has not been reported in the literature in individuals with PNKP-related conditions. This variant results in a copy number gain of the genomic region encompassing exon(s) 9-17 of the PNKP gene. The 5' boundary is likely confined to intron 8. The 3' end of this event is unknown as it extends beyond the assayed region for this gene and therefore may encompass additional genes. As the precise location of this event is unknown, it may be in tandem or it may be located elsewhere in the genome.

NC_000019.9:g.(?_49519325)_(50366015_?)dup

Genes: ALDH16A1 (aldehyde dehydrogenase 16 family member A1; plus strand), AP2A1 (adaptor related protein complex 2 subunit alpha 1; plus strand), PNKP (polynucleotide kinase 3'-phosphatase; minus strand), CD37 (CD37 molecule; plus strand), NOSIP (nitric oxide synthase interacting protein; minus strand) and 42 more. Cytogenetic location: 19q13.33.
Variant type: Duplication.
Identifiers: ClinVar variation 1346497 (VCV001346497.6).